The following is an entry in ClinVar:

NM_002878.4(RAD51D):c.549G>T (p.Gln183His)

Genes: RAD51D (RAD51 paralog D; minus strand), RAD51L3-RFFL (RAD51L3-RFFL readthrough; minus strand). Cytogenetic location: 17q12.
Variant type: single nucleotide variant.
Coding change: c.549G>T on transcript NM_002878.4 (MANE Select); coding-DNA position 549, G replaced by T.
Protein change: p.Gln183His; replaces glutamine 183 with histidine.
Molecular consequence: missense variant. On other transcripts: non-coding transcript variant (3).
Genome position (GRCh38, 1-based): chr17:35,106,413, C>A on the plus strand (G>T on the coding strand, the complement: RAD51D is on the minus strand). VCF-style: chr17-35106413-C-A. GRCh37 (hg19) VCF-style: chr17-33433432-C-A.
Other names: c.609G>T, p.Gln203His (NM_001142571.2); c.213G>T, p.Gln71His (NM_133629.3); short protein forms Q183H, Q203H, Q71H.
Identifiers: ClinVar variation 5027820 (VCV005027820.1).

ClinVar aggregate classification (germline): Uncertain significance (1 of 4 stars; one submission).

Conditions:
Hereditary cancer-predisposing syndrome. Also called: Neoplastic Syndromes, Hereditary; Tumor predisposition; Hereditary neoplastic syndrome; Hereditary Cancer Syndrome. Identifiers: Orphanet 140162, MedGen C0027672, MeSH D009386, MONDO:0015356.

Submission:

Ambry Genetics
Classification: Uncertain significance for Hereditary cancer-predisposing syndrome. Last evaluated: 2026-07-06. Review status: criteria provided, single submitter. Criteria: Ambry Variant Classification Scheme 2023. Collection method: clinical testing. Allele origin: germline.
Comment: The p.Q183H variant (also known as c.549G>T), located in coding exon 6 of the RAD51D gene, results from a G to T substitution at nucleotide position 549. The glutamine at codon 183 is replaced by histidine, an amino acid with highly similar properties. This amino acid position is conserved. In addition, the in silico prediction for this alteration is inconclusive. Based on the available evidence, the clinical significance of this variant remains unclear.